The following is an entry in ClinVar:

NM_000441.2(SLC26A4):c.691G>A (p.Val231Met)

Gene: SLC26A4 (solute carrier family 26 member 4; plus strand). Cytogenetic location: 7q22.3.
Variant type: single nucleotide variant.
Coding change: c.691G>A on transcript NM_000441.2 (MANE Select); coding-DNA position 691, G replaced by A.
Protein change: p.Val231Met; replaces valine 231 with methionine.
Molecular consequence: missense variant.
Genome position (GRCh38, 1-based): chr7:107,675,035, G>A. VCF-style: chr7-107675035-G-A. GRCh37 (hg19) VCF-style: chr7-107315480-G-A.
Other names: short protein forms V231M.
Identifiers: ClinVar variation 1346618 (VCV001346618.8), dbSNP rs483353047, ClinGen allele CA368831551.

ClinVar aggregate classification (germline): Likely pathogenic (1 of 4 stars; one submission).

Submission:

Labcorp Genetics (formerly Invitae), Labcorp
Classification: Likely pathogenic. Last evaluated: 2023-05-27. Review status: criteria provided, single submitter. Criteria: Invitae Variant Classification Sherloc (09022015). Collection method: clinical testing. Allele origin: germline.
Comment: In summary, the currently available evidence indicates that the variant is pathogenic, but additional data are needed to prove that conclusively. Therefore, this variant has been classified as Likely Pathogenic. This sequence change replaces valine, which is neutral and non-polar, with methionine, which is neutral and non-polar, at codon 231 of the SLC26A4 protein (p.Val231Met). This variant is not present in population databases (gnomAD no frequency). This missense change has been observed in individual(s) with deafness (PMID: 32279305). ClinVar contains an entry for this variant (Variation ID: 1346618). Advanced modeling of protein sequence and biophysical properties (such as structural, functional, and spatial information, amino acid conservation, physicochemical variation, residue mobility, and thermodynamic stability) performed at Invitae indicates that this missense variant is expected to disrupt SLC26A4 protein function. This variant disrupts the p.Val231 amino acid residue in SLC26A4. Other variant(s) that disrupt this residue have been observed in individuals with SLC26A4-related conditions (PMID: 25372295, 25991456, 34416374), which suggests that this may be a clinically significant amino acid residue.

Literature cited by the submitters: PubMed 32279305; PubMed 25372295; PubMed 25991456; PubMed 34416374.